The following is an entry in ClinVar:

ClinVar aggregate classification (germline): Pathogenic/Likely pathogenic. Review status: criteria provided, multiple submitters, no conflicts (2 of 4 stars). 6 submissions from 6 submitters: Pathogenic (4); Likely pathogenic (1). 1 of the submissions does not count toward it. Last evaluated 2025-10-13.

Conditions:
Aicardi-Goutieres syndrome 5. Identifiers: Orphanet 51, MedGen C2749659, MONDO:0013059, OMIM 612952.

Allele frequency attached by ClinVar (database versions not stated): gnomAD exomes 0.00001; TOPMed 0.00003; gnomAD 0.00001; ESP Exome Variant Server 0.00008.
gnomAD v4.1: 19 of 1,613,778 alleles (0.0012%); highest among the groups gnomAD compares: East Asian, 0.0022%; no homozygotes.

Submissions (6):

Variantyx, Inc.
Classification: Pathogenic for Aicardi-Goutieres syndrome 5. Last evaluated: 2025-10-13. Review status: criteria provided, single submitter. Criteria: Variantyx Assertion Criteria 2022. Collection method: clinical testing. Allele origin: germline. Inheritance: Autosomal recessive inheritance. Affected: yes.
Comment: This is a nonsynonymous variant in the SAMHD1 gene (OMIM: 606754). Pathogenic variants in this gene have been associated with autosomal recessive Aicardi-Goutieres syndrome 5. Functional studies have shown that this variant alters SAMHD1 protein function (PMID: 28229507) (PS3), and multiple computational algorithms predict a deleterious effect for this variant (REVEL score: 0.993) (PP3). Mpreopver, an alternate amino acid change at this position (p.Arg143Cys) has been previously reported in similarly affected individuals, which suggests that this residue is biologically important (PMID: 19525956) (PM5). This variant has a 0.0022% maximum allele frequency in non-founder control populations (PM2). Based on the current evidence, this variant is classified as pathogenic for autosomal recessive Aicardi-Goutieres syndrome 5.

Labcorp Genetics (formerly Invitae), Labcorp
Classification: Pathogenic for Aicardi-Goutieres syndrome 5. Last evaluated: 2025-09-08. Review status: criteria provided, single submitter. Criteria: Invitae Variant Classification Sherloc (09022015). Collection method: clinical testing. Allele origin: germline.
Comment: This sequence change replaces arginine, which is basic and polar, with histidine, which is basic and polar, at codon 143 of the SAMHD1 protein (p.Arg143His). This variant is present in population databases (rs369035155, gnomAD 0.004%). This missense change has been observed in individuals with Aicardi-Goutières syndrome (PMID: 19525956, 33683010; internal data). ClinVar contains an entry for this variant (Variation ID: 126411). Invitae Evidence Modeling of protein sequence and biophysical properties (such as structural, functional, and spatial information, amino acid conservation, physicochemical variation, residue mobility, and thermodynamic stability) indicates that this missense variant is expected to disrupt SAMHD1 protein function with a positive predictive value of 95%. Experimental studies have shown that this missense change affects SAMHD1 function (PMID: 28229507, 29379009). This variant disrupts the p.Arg143 amino acid residue in SAMHD1. Other variant(s) that disrupt this residue have been determined to be pathogenic (PMID: 19525956, 26431200, 28229507). This suggests that this residue is clinically significant, and that variants that disrupt this residue are likely to be disease-causing. For these reasons, this variant has been classified as Pathogenic.

GeneDx
Classification: Pathogenic. Last evaluated: 2023-12-19. Review status: criteria provided, single submitter. Criteria: GeneDx Variant Classification Process June 2021. Collection method: clinical testing. Allele origin: germline. Affected: yes.
Comment: Published functional studies demonstrate that this variant has a damaging effect and leads to a loss of protein function (PMID: 28229507); This variant is associated with the following publications: (PMID: 19525956, 30487145, 23364794, 22056990, 22149989, 34055681, 33683010, 27943079, 29379009, 28229507, 32371413)

AiLife Diagnostics
Classification: Likely pathogenic. Last evaluated: 2022-03-22. Review status: criteria provided, single submitter. Criteria: ACMG Guidelines, 2015. Collection method: clinical testing. Allele origin: germline. Affected: yes. Observed: 1 variant allele.

Institute for Genomic Medicine (IGM) Clinical Laboratory, Nationwide Children's Hospital
Classification: Pathogenic for Aicardi-Goutieres syndrome 5. Last evaluated: 2018-09-25. Review status: criteria provided, single submitter. Criteria: ACMG Guidelines, 2015. Collection method: clinical testing. Allele origin: germline. Affected: yes.
Comment: [ACMG/AMP: PS3, PM2, PM5, PP3, PP5] This alteration is supported by well-established in vitro or in vivo functional studies to have a damaging effect on protein function or splicing [PS3], is absent from or rarely observed in large-scale population databases [PM2], is a novel missense change at an amino residue where a different missense change has been deemed to be pathogenic [PM5], is predicted to be damaging by multiple functional prediction tools [PP3], was reported as a pathogenic/likely pathogenic alteration by a reputable source (ClinVar or other correspondence from a clinical testing laboratory) [PP5].

GeneReviews
No classification provided. Condition: Aicardi-Goutieres syndrome 5. Review status: no classification provided. Collection method: literature only. Allele origin: germline. Affected: yes. Not counted in ClinVar's aggregate classification.

Literature cited by the submitters: PubMed 28229507 (cited by 3 submitters); PubMed 19525956 (cited by 3 submitters); PubMed 27943079 (cited by Variantyx, Inc.); PubMed 33683010 (cited by Labcorp Genetics (formerly Invitae), Labcorp and AiLife Diagnostics); PubMed 29379009 (cited by Labcorp Genetics (formerly Invitae), Labcorp); PubMed 26431200 (cited by Labcorp Genetics (formerly Invitae), Labcorp); PubMed 32371413 (cited by AiLife Diagnostics); PubMed 30487145 (cited by AiLife Diagnostics); NCBI Bookshelf NBK1475 (cited by GeneReviews).

NM_015474.4(SAMHD1):c.428G>A (p.Arg143His)

Gene: SAMHD1 (SAM and HD domain containing deoxynucleoside triphosphate triphosphohydrolase 1; minus strand). Cytogenetic location: 20q11.23.
Variant type: single nucleotide variant.
Coding change: c.428G>A on transcript NM_015474.4 (MANE Select); coding-DNA position 428, G replaced by A.
Protein change: p.Arg143His; replaces arginine 143 with histidine.
Molecular consequence: missense variant.
Genome position (GRCh38, 1-based): chr20:36,935,110, C>T on the plus strand (G>A on the coding strand, the complement: SAMHD1 is on the minus strand). VCF-style: chr20-36935110-C-T. GRCh37 (hg19) VCF-style: chr20-35563513-C-T.
Other names: c.428G>A, p.Arg143His (NM_001363729.2, NM_001363733.2); short protein forms R143H.
Identifiers: ClinVar variation 126411 (VCV000126411.17), dbSNP rs369035155, ClinGen allele CA345521.